The following is an entry in ClinVar:

ClinVar aggregate classification (germline): Uncertain significance. Review status: criteria provided, multiple submitters, no conflicts (2 of 4 stars). 2 submissions from 2 submitters: Uncertain significance (2). Last evaluated 2025-06-03.

Conditions:
Inborn genetic diseases. Identifiers: MedGen C0950123, MeSH D030342.

gnomAD v4.1: 2 of 1,613,994 alleles (0.00012%); highest among the groups gnomAD compares: African/African-American, 0.0027%; no homozygotes.

Submissions (2):

Ambry Genetics
Classification: Uncertain significance for Inborn genetic diseases. Last evaluated: 2025-06-03. Review status: criteria provided, single submitter. Criteria: Ambry Variant Classification Scheme 2023. Collection method: clinical testing. Allele origin: germline.

Labcorp Genetics (formerly Invitae), Labcorp
Classification: Uncertain significance. Last evaluated: 2022-01-04. Review status: criteria provided, single submitter. Criteria: Invitae Variant Classification Sherloc (09022015). Collection method: clinical testing. Allele origin: germline.
Comment: This sequence change replaces threonine, which is neutral and polar, with serine, which is neutral and polar, at codon 97 of the COL17A1 protein (p.Thr97Ser). This variant is not present in population databases (gnomAD no frequency). This variant has not been reported in the literature in individuals affected with COL17A1-related conditions. Algorithms developed to predict the effect of missense changes on protein structure and function are either unavailable or do not agree on the potential impact of this missense change (SIFT: "Deleterious"; PolyPhen-2: "Not Available"; Align-GVGD: "Class C0"). In summary, the available evidence is currently insufficient to determine the role of this variant in disease. Therefore, it has been classified as a Variant of Uncertain Significance.

NM_000494.4(COL17A1):c.289A>T (p.Thr97Ser)

Gene: COL17A1 (collagen type XVII alpha 1 chain; minus strand). Cytogenetic location: 10q25.1.
Variant type: single nucleotide variant.
Coding change: c.289A>T on transcript NM_000494.4 (MANE Select); coding-DNA position 289, A replaced by T.
Protein change: p.Thr97Ser; replaces threonine 97 with serine.
Molecular consequence: missense variant.
Genome position (GRCh38, 1-based): chr10:104,076,343, T>A on the plus strand (A>T on the coding strand, the complement: COL17A1 is on the minus strand). VCF-style: chr10-104076343-T-A. GRCh37 (hg19) VCF-style: chr10-105836101-T-A.
Other names: c.289A>T (NM_000494.3); short protein forms T97S.
Identifiers: ClinVar variation 1430406 (VCV001430406.4), dbSNP rs139344319, ClinGen allele CA378081191.